The following is an entry in ClinVar:

NM_002454.3(MTRR):c.-25-1G>A

Gene: MTRR (5-methyltetrahydrofolate-homocysteine methyltransferase reductase; plus strand). Cytogenetic location: 5p15.31.
Variant type: single nucleotide variant.
Coding change: c.-25-1G>A on transcript NM_002454.3 (MANE Select); the canonical splice acceptor site of the intron before 25 bases upstream of the start codon, G replaced by A.
Molecular consequence: splice acceptor variant.
Genome position (GRCh38, 1-based): chr5:7,870,769, G>A. VCF-style: chr5-7870769-G-A. GRCh37 (hg19) VCF-style: chr5-7870882-G-A.
Other names: c.-25-1G>A (NM_001364441.2, NM_001364442.2, NM_024010.4 and 2 more transcripts).
Identifiers: ClinVar variation 2676862 (VCV002676862.2), dbSNP rs780448175, ClinGen allele CA3195447.

ClinVar aggregate classification (germline): Likely pathogenic. Review status: criteria provided, multiple submitters, no conflicts (2 of 4 stars). 2 submissions from 2 submitters: Likely pathogenic (2). Last evaluated 2025-05-30.

Conditions:
Methylcobalamin deficiency type cblE (HMAE). Also called: HOMOCYSTINURIA-MEGALOBLASTIC ANEMIA, cblE COMPLEMENTATION TYPE; VITAMIN B12-RESPONSIVE HOMOCYSTINURIA, cblE TYPE; HOMOCYSTINURIA-MEGALOBLASTIC ANEMIA, cblE TYPE. Identifiers: Orphanet 2169, Orphanet 622, MedGen C1856057, MONDO:0009354, OMIM 236270.
Neural tube defects, folate-sensitive (NTDFS). Also called: NTD, FOLATE-SENSITIVE. Identifiers: Orphanet 823, MedGen C1866558, MONDO:0011120, OMIM 601634.

Allele frequency attached by ClinVar (database versions not stated): gnomAD 0.00003; TOPMed 0.00002.
gnomAD v4.1: 23 of 1,613,972 alleles (0.0014%); highest among the groups gnomAD compares: Non-Finnish European, 0.0015%; no homozygotes.

Submissions (2):

Natera, Inc.
Classification: Likely pathogenic for CblE complementation type homocystinuria-megaloblastic anemia due to defect in cobalamin metabolism. Last evaluated: 2025-05-30. Review status: criteria provided, single submitter. Criteria: Natera Variant Classification Schema (03/2026). Collection method: clinical testing. Allele origin: germline.
Comment: The c.-25-1G>A variant in MTRR is a 5' untranslated region (UTR) variant located upstream of the translation start codon. This variant is expected to result in nonsense mediated decay, truncation, or a dysfunctional protein product. This variant is rare in the general population with a frequency below the threshold expected for the associated phenotype(s). Given the available evidence, this variant is classified as Likely Pathogenic.

Baylor Genetics
Classification: Likely pathogenic for Neural tube defects, folate-sensitive. Last evaluated: 2023-10-29. Review status: criteria provided, single submitter. Criteria: ACMG Guidelines, 2015. Collection method: clinical testing. Allele origin: unknown.